The following is an entry in ClinVar:

ClinVar aggregate classification (germline): Likely benign. Review status: criteria provided, multiple submitters, no conflicts (2 of 4 stars). 2 submissions from 2 submitters: Likely benign (2). Last evaluated 2025-12-22.

Allele frequency attached by ClinVar (database versions not stated): ESP Exome Variant Server 0.00016.
gnomAD v4.1: 578 of 1,577,066 alleles (0.037%); highest among the groups gnomAD compares: Non-Finnish European, 0.038%; 1 homozygote.

Submissions (2):

Labcorp Genetics (formerly Invitae), Labcorp
Classification: Likely benign. Last evaluated: 2025-12-22. Review status: criteria provided, single submitter. Criteria: Invitae Variant Classification Sherloc (09022015). Collection method: clinical testing. Allele origin: germline.

CeGaT Center for Human Genetics Tuebingen
Classification: Likely benign. Last evaluated: 2023-12-01. Review status: criteria provided, single submitter. Criteria: CeGaT Center For Human Genetics Tuebingen Variant Classification Criteria Version 2. Collection method: clinical testing. Allele origin: germline. Affected: yes. Observed: 2 variant alleles.
Comment: MAST1: BP4

NM_014975.3(MAST1):c.2318+6C>T

Genes: MAST1 (microtubule associated serine/threonine kinase 1; plus strand), LOC112543452 (Sharpr-MPRA regulatory region 6054; plus strand). Cytogenetic location: 19p13.13.
Variant type: single nucleotide variant.
Coding change: c.2318+6C>T on transcript NM_014975.3 (MANE Select); 6 bases into the intron after coding-DNA position 2318, C replaced by T.
Molecular consequence: intron variant.
Genome position (GRCh38, 1-based): chr19:12,867,658, C>T. VCF-style: chr19-12867658-C-T. GRCh37 (hg19) VCF-style: chr19-12978472-C-T.
Identifiers: ClinVar variation 2080242 (VCV002080242.28), dbSNP rs368832327, ClinGen allele CA9233097.